The following is an entry in ClinVar:

NM_004415.4(DSP):c.8347A>G (p.Ile2783Val)

Gene: DSP (desmoplakin; plus strand). Cytogenetic location: 6p24.3.
Variant type: single nucleotide variant.
Coding change: c.8347A>G on transcript NM_004415.4 (MANE Select); coding-DNA position 8347, A replaced by G.
Protein change: p.Ile2783Val; replaces isoleucine 2783 with valine.
Molecular consequence: missense variant.
Genome position (GRCh38, 1-based): chr6:7,585,609, A>G. VCF-style: chr6-7585609-A-G. GRCh37 (hg19) VCF-style: chr6-7585842-A-G.
Other names: c.8347A>G (LRG_423t1); c.6550A>G, p.Ile2184Val (NM_001008844.3); c.7018A>G, p.Ile2340Val (NM_001319034.2); short protein forms I2783V, I2340V, I2184V.
Identifiers: ClinVar variation 191645 (VCV000191645.3), dbSNP rs786205417, ClinGen allele CA007483.

ClinVar aggregate classification (germline): Uncertain significance. Review status: criteria provided, multiple submitters, no conflicts (2 of 4 stars). 2 submissions from 2 submitters: Uncertain significance (2). Last evaluated 2023-10-23.

Conditions:
Cardiovascular phenotype. Identifiers: MedGen CN230736.

Submissions (2):

Ambry Genetics
Classification: Uncertain significance for Cardiovascular phenotype. Last evaluated: 2023-10-23. Review status: criteria provided, single submitter. Criteria: Ambry Variant Classification Scheme 2023. Collection method: clinical testing. Allele origin: germline.
Comment: The p.I2783V variant (also known as c.8347A>G), located in coding exon 24 of the DSP gene, results from an A to G substitution at nucleotide position 8347. The isoleucine at codon 2783 is replaced by valine, an amino acid with highly similar properties. This alteration has been reported as a secondary cardiac variant in an exome cohort; however, clinical details were limited (Ng D et al. Circ Cardiovasc Genet, 2013 Aug;6:337-46). This amino acid position is highly conserved in available vertebrate species. In addition, the in silico prediction for this alteration is inconclusive. Since supporting evidence is limited at this time, the clinical significance of this alteration remains unclear.

Biesecker Lab/Clinical Genomics Section, National Institutes of Health
Classification: Uncertain significance. Last evaluated: 2013-06-24. Review status: criteria provided, single submitter. Criteria: Ng et al. (Circ Cardiovasc Genet. 2013). Collection method: research. Allele origin: unknown. Observed: 1 variant allele. Study: ClinSeq.
Comment: The study set was not selected for affection status in relation to any cancer. Pathogenicity categories were based on literature curation. See Pubmed ID:23861362 for details.

Medical sequencing

Literature cited by the submitters: PubMed 23861362 (cited by Ambry Genetics).